The following is an entry in ClinVar:

NM_001365276.2(TNXB):c.10369G>A (p.Val3457Met)

Gene: TNXB (tenascin XB; minus strand). Cytogenetic location: 6p21.33.
Variant type: single nucleotide variant.
Coding change: c.10369G>A on transcript NM_001365276.2 (MANE Select); coding-DNA position 10369, G replaced by A.
Protein change: p.Val3457Met; replaces valine 3457 with methionine.
Molecular consequence: missense variant.
Genome position (GRCh38, 1-based): chr6:32,046,412, C>T on the plus strand (G>A on the coding strand, the complement: TNXB is on the minus strand). VCF-style: chr6-32046412-C-T. GRCh37 (hg19) VCF-style: chr6-32014189-C-T.
Other names: p.Val3455Met; c.10363G>A, p.Val3455Met (NM_019105.8); short protein forms V3457M, V3455M.
Identifiers: ClinVar variation 1772593 (VCV001772593.5), dbSNP rs199623625, ClinGen allele CA3733242.

ClinVar aggregate classification (germline): Uncertain significance. Review status: criteria provided, multiple submitters, no conflicts (2 of 4 stars). 3 submissions from 3 submitters: Uncertain significance (3). Last evaluated 2024-09-16.

Conditions:
Cardiovascular phenotype. Identifiers: MedGen CN230736.

gnomAD v4.1: 71 of 1,579,968 alleles (0.0045%); highest among the groups gnomAD compares: Non-Finnish European, 0.0057%; no homozygotes.

Submissions (3):

GeneDx
Classification: Uncertain significance. Last evaluated: 2024-09-16. Review status: criteria provided, single submitter. Criteria: GeneDx Variant Classification Process June 2021. Collection method: clinical testing. Allele origin: germline.
Comment: Has not been previously published as pathogenic or benign to our knowledge; Not observed at significant frequency in large population cohorts (gnomAD); In silico analysis indicates that this missense variant does not alter protein structure/function

Mayo Clinic Laboratories, Mayo Clinic
Classification: Uncertain significance. Last evaluated: 2023-10-11. Review status: criteria provided, single submitter. Criteria: ACMG Guidelines, 2015. Collection method: clinical testing. Allele origin: germline. Observed: 1 variant allele.
Comment: BP4

Ambry Genetics
Classification: Uncertain significance for Cardiovascular phenotype. Last evaluated: 2021-09-07. Review status: criteria provided, single submitter. Criteria: Ambry Variant Classification Scheme 2023. Collection method: clinical testing. Allele origin: germline.
Comment: The p.V3455M variant (also known as c.10363G>A), located in coding exon 30 of the TNXB gene, results from a G to A substitution at nucleotide position 10363. The valine at codon 3455 is replaced by methionine, an amino acid with highly similar properties. This amino acid position is conserved. In addition, this alteration is predicted to be tolerated by in silico analysis. Since supporting evidence is limited at this time, the clinical significance of this alteration remains unclear.